The following is an entry in ClinVar:

NM_002471.4(MYH6):c.4548G>C (p.Glu1516Asp)

Gene: MYH6 (myosin heavy chain 6; minus strand). Cytogenetic location: 14q11.2.
Variant type: single nucleotide variant.
Coding change: c.4548G>C on transcript NM_002471.4 (MANE Select); coding-DNA position 4548, G replaced by C.
Protein change: p.Glu1516Asp; replaces glutamic acid 1516 with aspartic acid.
Molecular consequence: missense variant.
Genome position (GRCh38, 1-based): chr14:23,387,631, C>G on the plus strand (G>C on the coding strand, the complement: MYH6 is on the minus strand). VCF-style: chr14-23387631-C-G. GRCh37 (hg19) VCF-style: chr14-23856840-C-G.
Other names: short protein forms E1516D.
Identifiers: ClinVar variation 3719260 (VCV003719260.2).

ClinVar aggregate classification (germline): Uncertain significance (1 of 4 stars; one submission).

Conditions:
Hypertrophic cardiomyopathy 14. Identifiers: MedGen C2750467, MONDO:0013197, OMIM 613251.

gnomAD v4.1: 5 of 1,614,102 alleles (0.00031%); highest among the groups gnomAD compares: Admixed American, 0.0033%; no homozygotes.

Submission:

Labcorp Genetics (formerly Invitae), Labcorp
Classification: Uncertain significance for Hypertrophic cardiomyopathy 14. Last evaluated: 2024-04-03. Review status: criteria provided, single submitter. Criteria: Invitae Variant Classification Sherloc (09022015). Collection method: clinical testing. Allele origin: germline.
Comment: This sequence change replaces glutamic acid, which is acidic and polar, with aspartic acid, which is acidic and polar, at codon 1516 of the MYH6 protein (p.Glu1516Asp). This variant is present in population databases (no rsID available, gnomAD 0.003%). This variant has not been reported in the literature in individuals affected with MYH6-related conditions. Advanced modeling of protein sequence and biophysical properties (such as structural, functional, and spatial information, amino acid conservation, physicochemical variation, residue mobility, and thermodynamic stability) performed at Invitae indicates that this missense variant is not expected to disrupt MYH6 protein function with a negative predictive value of 80%. In summary, the available evidence is currently insufficient to determine the role of this variant in disease. Therefore, it has been classified as a Variant of Uncertain Significance.